The following is an entry in ClinVar:

NM_021939.4(FKBP10):c.429T>G (p.Asp143Glu)

Gene: FKBP10 (FKBP prolyl isomerase 10; plus strand). Cytogenetic location: 17q21.2.
Variant type: single nucleotide variant.
Coding change: c.429T>G on transcript NM_021939.4 (MANE Select); coding-DNA position 429, T replaced by G.
Protein change: p.Asp143Glu; replaces aspartic acid 143 with glutamic acid.
Molecular consequence: missense variant.
Genome position (GRCh38, 1-based): chr17:41,818,126, T>G. VCF-style: chr17-41818126-T-G. GRCh37 (hg19) VCF-style: chr17-39974378-T-G.
Other names: c.429T>G (NM_021939.3); short protein forms D143E.
Identifiers: ClinVar variation 288771 (VCV000288771.7), dbSNP rs141427325, ClinGen allele CA8566245.

ClinVar aggregate classification (germline): Uncertain significance. Review status: criteria provided, multiple submitters, no conflicts (2 of 4 stars). 3 submissions from 3 submitters: Uncertain significance (3). Last evaluated 2024-09-24.

Allele frequency attached by ClinVar (database versions not stated): gnomAD exomes 0.00004 and 0.00008; gnomAD 0.00005 and 0.00007; ExAC 0.00006; TOPMed 0.00006; ESP Exome Variant Server 0.00008.
gnomAD v4.1: 123 of 1,613,594 alleles (0.0076%); highest among the groups gnomAD compares: Non-Finnish European, 0.0097%; no homozygotes.

Submissions (3):

GeneDx
Classification: Uncertain significance. Last evaluated: 2024-09-24. Review status: criteria provided, single submitter. Criteria: GeneDx Variant Classification Process June 2021. Collection method: clinical testing. Allele origin: germline. Affected: yes.
Comment: In silico analysis supports a deleterious effect on splicing; In silico analysis indicates that this missense variant does not alter protein structure/function; Has not been previously published as pathogenic or benign to our knowledge

Labcorp Genetics (formerly Invitae), Labcorp
Classification: Uncertain significance. Last evaluated: 2022-09-13. Review status: criteria provided, single submitter. Criteria: Invitae Variant Classification Sherloc (09022015). Collection method: clinical testing. Allele origin: germline.
Comment: This sequence change replaces aspartic acid, which is acidic and polar, with glutamic acid, which is acidic and polar, at codon 143 of the FKBP10 protein (p.Asp143Glu). This variant is present in population databases (rs141427325, gnomAD 0.01%). This variant has not been reported in the literature in individuals affected with FKBP10-related conditions. ClinVar contains an entry for this variant (Variation ID: 288771). Advanced modeling of protein sequence and biophysical properties (such as structural, functional, and spatial information, amino acid conservation, physicochemical variation, residue mobility, and thermodynamic stability) performed at Invitae indicates that this missense variant is not expected to disrupt FKBP10 protein function. Algorithms developed to predict the effect of sequence changes on RNA splicing suggest that this variant may create or strengthen a splice site. In summary, the available evidence is currently insufficient to determine the role of this variant in disease. Therefore, it has been classified as a Variant of Uncertain Significance.

Eurofins Ntd Llc (ga)
Classification: Uncertain significance. Last evaluated: 2016-07-01. Review status: criteria provided, single submitter. Criteria: EGL Classification Definitions 2015. Collection method: clinical testing. Allele origin: germline. Observed: 1 variant allele, 1 heterozygote.